The following is an entry in ClinVar:

NM_001267550.2(TTN):c.60681dup (p.Lys20228Ter)

Genes: TTN (titin; minus strand), TTN-AS1 (TTN antisense RNA 1; plus strand). Cytogenetic location: 2q31.2.
Variant type: Duplication.
Coding change: c.60681dup on transcript NM_001267550.2 (MANE Select); coding-DNA position 60681, one base duplicated (T; older notation c.60681dupT).
Protein change: p.Lys20228Ter; replaces lysine 20228 with a stop codon.
Molecular consequence: nonsense.
Genome position (GRCh38, 1-based): chr2:178,591,044, A duplicated on the plus strand (T on the coding strand, the reverse complement: TTN is on the minus strand). VCF-style (leftmost placement, unchanged base first): chr2-178591043-T-TA. GRCh37 (hg19) VCF-style: chr2-179455770-T-TA.
Other names: c.33486dupT (NM_003319.4); c.60681dupT (NM_001267550.2); c.55758dup, p.Lys18587Ter (NM_001256850.1); c.33486dup, p.Lys11163Ter (NM_003319.4); c.52977dup, p.Lys17660Ter (NM_133378.4); c.33861dup, p.Lys11288Ter (NM_133432.3); c.34062dup, p.Lys11355Ter (NM_133437.4); short protein forms K20228*, K11163*, K17660*, K11288*, K18587*, K11355*.
Identifiers: ClinVar variation 195920 (VCV000195920.23), dbSNP rs797044692, ClinGen allele CA275135.
Genomic context (GRCh38, chr2:178,591,043, plus strand): 5'-CTCTAACTCGGAAAACATATTCACAGCCCTTCTGCAGATGTGGGATTTTCAGCTTTGTCT[T>TA]ACTGCTTCCGGAAGAGACAACACCCCACGTGTCTTTCCTTGTATCTTGTTTCTCAACAAT-3'

ClinVar aggregate classification (germline): Pathogenic/Likely pathogenic. Review status: criteria provided, multiple submitters, no conflicts (2 of 4 stars). 6 submissions from 6 submitters: Pathogenic (1); Likely pathogenic (5). Last evaluated 2025-12-09.

Conditions:
Cardiovascular phenotype. Identifiers: MedGen CN230736.
Dilated cardiomyopathy 1G (CMD1G). Identifiers: Orphanet 154, MedGen C1858763, MONDO:0011400, OMIM 604145.
Autosomal recessive limb-girdle muscular dystrophy type 2J (LGMDR10). Also called: MUSCULAR DYSTROPHY, LIMB-GIRDLE, AUTOSOMAL RECESSIVE 10; Limb-girdle muscular dystrophy, type 2J. Identifiers: Orphanet 140922, MedGen C1837342, MONDO:0012127, OMIM 608807.
Myopathy, myofibrillar, 9, with early respiratory failure (MFM9). Also called: EDSTROM MYOPATHY; MYOPATHY, PROXIMAL, WITH EARLY RESPIRATORY MUSCLE INVOLVEMENT; Myopathy, distal, with early respiratory failure, autosomal dominant; Hereditary myopathy with early respiratory failure. Identifiers: Orphanet 178464, Orphanet 34521, MedGen C1863599, MONDO:0011362, OMIM 603689.
Early-onset myopathy with fatal cardiomyopathy (CMYO5). Also called: CONGENITAL MYOPATHY 5 WITH CARDIOMYOPATHY; Salih Myopathy. Identifiers: Orphanet 289377, MedGen C2673677, MONDO:0012714, OMIM 611705. Disease mechanism: loss of function.
Hypertrophic cardiomyopathy 9. Also called: Familial hypertrophic cardiomyopathy 9. Identifiers: MedGen C1861065, MONDO:0013412, OMIM 613765.
Tibial muscular dystrophy (TMD). Also called: UDD MYOPATHY; Tibial muscular dystrophy, tardive; Udd Distal Myopathy – Tibial Muscular Dystrophy. Identifiers: Orphanet 609, MedGen C1838244, MONDO:0010870, OMIM 600334.

Allele frequency attached by ClinVar (database versions not stated): gnomAD exomes below 0.00001; gnomAD 0.00001; TOPMed 0.00001.

Submissions (6):

Labcorp Genetics (formerly Invitae), Labcorp
Classification: Likely pathogenic for Dilated cardiomyopathy 1G; Autosomal recessive limb-girdle muscular dystrophy type 2J. Last evaluated: 2025-12-09. Review status: criteria provided, single submitter. Criteria: Invitae Variant Classification Sherloc (09022015). Collection method: clinical testing. Allele origin: germline.
Comment: This sequence change creates a premature translational stop signal (p.Lys20228*) in the TTN gene. While this is not anticipated to result in nonsense mediated decay, it is expected to create a truncated TTN protein. This variant is not present in population databases (gnomAD no frequency). This premature translational stop signal has been observed in individual(s) with dilated cardiomyopathy (PMID: 33874732; internal data). ClinVar contains an entry for this variant (Variation ID: 195920). This variant is located in the A band of TTN (PMID: 25589632). Truncating variants in this region are significantly overrepresented in patients affected with dilated cardiomyopathy (PMID: 25589632). Truncating variants in this region have also been reported in individuals affected with autosomal recessive centronuclear myopathy (PMID: 23975875). In summary, the currently available evidence indicates that the variant is pathogenic, but additional data are needed to prove that conclusively. Therefore, this variant has been classified as Likely Pathogenic.

GeneDx
Classification: Pathogenic. Last evaluated: 2025-04-12. Review status: criteria provided, single submitter. Criteria: GeneDx Variant Classification Process June 2021. Collection method: clinical testing. Allele origin: germline. Affected: yes.
Comment: Reported in a patient with peripartum cardiomyopathy (PMID: 33874732); Located in the A-band, a region of TTN for which truncating variants are significantly associated with autosomal dominant cardiomyopathy and also with autosomal recessive skeletal myopathies (PMID: 22335739, 32778822); Nonsense variant predicted to result in protein truncation or nonsense mediated decay in a gene for which loss of function is a known mechanism of disease; Not observed at significant frequency in large population cohorts (gnomAD); This variant is associated with the following publications: (PMID: 25589632, 23975875, 33874732, 22335739, 32778822)

Ambry Genetics
Classification: Likely pathogenic for Cardiovascular phenotype. Last evaluated: 2025-02-17. Review status: criteria provided, single submitter. Criteria: Ambry Variant Classification Scheme 2023. Collection method: clinical testing. Allele origin: germline.
Comment: The c.33486dupT variant, located in coding exon 131 of the TTN gene, results from a duplication of T at nucleotide position 33486, causing a translational frameshift with a predicted alternate stop codon (p.K11163*). This exon is located in the A-band region of the N2-B isoform of the titin protein and is constitutively expressed in TTN transcripts (percent spliced in or PSI 100%). This variant (referred to as as NM_001267550.1:c.60681dupT) has been reported in a peripartum cardiomyopathy cohort (Goli R et al. Circulation, 2021 05;143:1852-1862). This variant is considered to be rare based on population cohorts in the Genome Aggregation Database (gnomAD). This variant is expected to result in loss of function by premature protein truncation or nonsense-mediated mRNA decay. While truncating variants in TTN are present in 1-3% of the general population, truncating variants in the A-band are the most common cause of dilated cardiomyopathy (Herman DS et al. N. Engl. J. Med., 2012 Feb;366:619-28; Roberts AM et al. Sci Transl Med, 2015 Jan;7:270ra6). TTN truncating variants encoded in constitutive exons (PSI >90%) have been found to be significantly associated with DCM regardless of their position in titin (Schafer S et al. Nat. Genet., 2017 01;49:46-53; Akhtar MM et al. Circ Heart Fail, 2020 Oct;13:e006832; Massier M et al. Clin Genet, 2025 Jan). Based on the majority of available evidence to date, this variant is likely to be pathogenic.

Fulgent Genetics
Classification: Likely pathogenic for Tibial muscular dystrophy; Myopathy, myofibrillar, 9, with early respiratory failure; Dilated cardiomyopathy 1G; Autosomal recessive limb-girdle muscular dystrophy type 2J; Early-onset myopathy with fatal cardiomyopathy; Hypertrophic cardiomyopathy 9. Last evaluated: 2021-12-20. Review status: criteria provided, single submitter. Criteria: ACMG Guidelines, 2015. Collection method: clinical testing. Allele origin: unknown.

AiLife Diagnostics
Classification: Likely pathogenic. Last evaluated: 2021-09-29. Review status: criteria provided, single submitter. Criteria: ACMG Guidelines, 2015. Collection method: clinical testing. Allele origin: germline. Affected: yes. Observed: 2 variant alleles.

Eurofins Ntd Llc (ga)
Classification: Likely pathogenic. Last evaluated: 2014-10-23. Review status: criteria provided, single submitter. Criteria: EGL Classification Definitions. Collection method: clinical testing. Allele origin: germline. Observed: 1 variant allele, 1 heterozygote.

Literature cited by the submitters: PubMed 33874732 (cited by Labcorp Genetics (formerly Invitae), Labcorp and Ambry Genetics); PubMed 25589632 (cited by Labcorp Genetics (formerly Invitae), Labcorp); PubMed 23975875 (cited by Labcorp Genetics (formerly Invitae), Labcorp).